The following is an entry in ClinVar:

NM_001377540.1(SLMAP):c.2145G>C (p.Gln715His)

Gene: SLMAP (sarcolemma associated protein; plus strand). Cytogenetic location: 3p14.3.
Variant type: single nucleotide variant.
Coding change: c.2145G>C on transcript NM_001377540.1 (MANE Select); coding-DNA position 2145, G replaced by C.
Protein change: p.Gln715His; replaces glutamine 715 with histidine.
Molecular consequence: missense variant. On other transcripts: non-coding transcript variant (1).
Genome position (GRCh38, 1-based): chr3:57,916,912, G>C. VCF-style: chr3-57916912-G-C. GRCh37 (hg19) VCF-style: chr3-57902639-G-C.
Other names: c.696G>C, p.Gln232His (NM_001304422.3, NM_001311178.2); c.498G>C, p.Gln166His (NM_001304423.3); c.573G>C, p.Gln191His (NM_001311179.2, NM_001377926.1, NM_001377927.1); c.2166G>C, p.Gln722His (NM_001377538.1); c.2145G>C, p.Gln715His (NM_001377539.1); c.2094G>C, p.Gln698His (NM_001377541.1, NM_001377542.1, NM_001304420.3); c.2082G>C, p.Gln694His (NM_001377545.1); c.1920G>C, p.Gln640His (NM_001377923.1); and 8 more; short protein forms Q191H, Q232H, Q636H, Q653H, Q677H, Q681H, Q694H, Q619H.
Identifiers: ClinVar variation 2112918 (VCV002112918.5), dbSNP rs17745496, ClinGen allele CA353409812.
Genomic context (GRCh38, chr3:57,916,912, plus strand): 5'-TTCTGTGTCCAGTTTCTACCTGTGAATAACTATCTGTCAATATTTATATTGCAGTTCTCA[G>C]AAGCAGAGTTTAGAGCTTACCAGTGATCTCAGCATCCTTCAAATGTCTAGGAAAGAACTT-3'
Protein context (NP_001364469.1, residues 705-725): QRQEKELHNS[Gln715His]KQSLELTSDL

ClinVar aggregate classification (germline): Uncertain significance (1 of 4 stars; one submission).

Conditions:
Brugada syndrome. Also called: Sudden unexpected nocturnal death syndrome; Sudden Unexplained Death Syndrome; Sudden Unexplained Nocturnal Death Syndrome (SUNDS); Sudden unexplained nocturnal death syndrome. Identifiers: Orphanet 130, MedGen C1142166, MONDO:0015263.

Submissions (2):

Labcorp Genetics (formerly Invitae), Labcorp
Classification: Uncertain significance for Brugada syndrome. Last evaluated: 2022-03-16. Review status: criteria provided, single submitter. Criteria: Invitae Variant Classification Sherloc (09022015). Collection method: clinical testing. Allele origin: germline.
Comment: Algorithms developed to predict the effect of missense changes on protein structure and function are either unavailable or do not agree on the potential impact of this missense change (SIFT: "Tolerated"; PolyPhen-2: "Possibly Damaging"; Align-GVGD: "Class C0"). This sequence change replaces glutamine, which is neutral and polar, with histidine, which is basic and polar, at codon 681 of the SLMAP protein (p.Gln681His). This variant is not present in population databases (gnomAD no frequency). This variant has not been reported in the literature in individuals affected with SLMAP-related conditions. In summary, the available evidence is currently insufficient to determine the role of this variant in disease. Therefore, it has been classified as a Variant of Uncertain Significance.

Dr. Peter K. Rogan Lab, Western University
No classification provided (evidence only). Condition: Nonpapillary renal cell carcinoma. Review status: no classification provided. Collection method: in vitro. Allele origin: not applicable. Functional consequence: skipped exon, retained intron. Not counted in ClinVar's aggregate classification.